The following is an entry in ClinVar:

ClinVar aggregate classification (germline): Uncertain significance (1 of 4 stars; one submission).

Submission:

Labcorp Genetics (formerly Invitae), Labcorp
Classification: Uncertain significance. Last evaluated: 2024-06-22. Review status: criteria provided, single submitter. Criteria: Invitae Variant Classification Sherloc (09022015). Collection method: clinical testing. Allele origin: germline.
Comment: This sequence change replaces arginine, which is basic and polar, with proline, which is neutral and non-polar, at codon 142 of the PTHLH protein (p.Arg142Pro). This variant is not present in population databases (gnomAD no frequency). This variant has not been reported in the literature in individuals affected with PTHLH-related conditions. An algorithm developed to predict the effect of missense changes on protein structure and function (PolyPhen-2) suggests that this variant is likely to be disruptive. In summary, the available evidence is currently insufficient to determine the role of this variant in disease. Therefore, it has been classified as a Variant of Uncertain Significance.

NM_198965.2(PTHLH):c.425G>C (p.Arg142Pro)

Gene: PTHLH (parathyroid hormone like hormone; minus strand). Cytogenetic location: 12p11.22.
Variant type: single nucleotide variant.
Coding change: c.425G>C on transcript NM_198965.2 (MANE Select); coding-DNA position 425, G replaced by C.
Protein change: p.Arg142Pro; replaces arginine 142 with proline.
Molecular consequence: missense variant.
Genome position (GRCh38, 1-based): chr12:27,963,447, C>G on the plus strand (G>C on the coding strand, the complement: PTHLH is on the minus strand). VCF-style: chr12-27963447-C-G. GRCh37 (hg19) VCF-style: chr12-28116380-C-G.
Other names: c.425G>C, p.Arg142Pro (NM_002820.3, NM_198964.2, NM_198966.2); short protein forms R142P.
Identifiers: ClinVar variation 3657425 (VCV003657425.2).
Genomic context (GRCh38, chr12:27,963,447, plus strand): 5'-AGGTGGTCCCCTTCTAGCCCACTCCCAGTCACTCCAGAGTCTAACCAGGCAGAGCGAGTT[C>G]GCCGTTTTTTCTTTTCCTGCTCCTTGCGTTTCCCGGGCTTGCCTTTCTTTTTCTTCCCAG-3'
Protein context (NP_945316.1, residues 132-152): KRKEQEKKKR[Arg142Pro]TRSAWLDSGV